The following is an entry in ClinVar:

NM_006059.4(LAMC3):c.3438del (p.Ser1147fs)

Gene: LAMC3 (laminin subunit gamma 3; plus strand). Cytogenetic location: 9q34.12.
Variant type: Deletion.
Coding change: c.3438del on transcript NM_006059.4 (MANE Select); coding-DNA position 3438, one base deleted (C; older notation c.3438delC).
Protein change: p.Ser1147fs; shifts the reading frame from serine 1147.
Molecular consequence: frameshift variant.
Genome position (GRCh38, 1-based): chr9:131,073,265, C deleted; the last of 3 consecutive C bases (chr9:131,073,263-131,073,265); deleting any one gives the same sequence. VCF-style (leftmost placement, unchanged base first): chr9-131073262-TC-T. GRCh37 (hg19) VCF-style: chr9-133948649-TC-T.
Other names: short protein forms S1147fs.
Identifiers: ClinVar variation 1404975 (VCV001404975.6), dbSNP rs2133327116, ClinGen allele CA2573144099.

ClinVar aggregate classification (germline): Pathogenic (1 of 4 stars; one submission).

Submission:

Labcorp Genetics (formerly Invitae), Labcorp
Classification: Pathogenic. Last evaluated: 2023-03-23. Review status: criteria provided, single submitter. Criteria: Invitae Variant Classification Sherloc (09022015). Collection method: clinical testing. Allele origin: germline.
Comment: ClinVar contains an entry for this variant (Variation ID: 1404975). This variant has not been reported in the literature in individuals affected with LAMC3-related conditions. This variant is not present in population databases (gnomAD no frequency). This sequence change creates a premature translational stop signal (p.Ser1147Valfs*55) in the LAMC3 gene. It is expected to result in an absent or disrupted protein product. Loss-of-function variants in LAMC3 are known to be pathogenic (PMID: 21572413, 26802095). For these reasons, this variant has been classified as Pathogenic.

Literature cited by the submitters: PubMed 21572413; PubMed 26802095.